The following is an entry in ClinVar:

NM_201253.3(CRB1):c.3541T>C (p.Cys1181Arg)

Gene: CRB1 (crumbs cell polarity complex component 1; plus strand). Cytogenetic location: 1q31.3.
Variant type: single nucleotide variant.
Coding change: c.3541T>C on transcript NM_201253.3 (MANE Select); coding-DNA position 3541, T replaced by C.
Protein change: p.Cys1181Arg; replaces cysteine 1181 with arginine.
Molecular consequence: missense variant. On other transcripts: non-coding transcript variant (2), intron variant (1).
Genome position (GRCh38, 1-based): chr1:197,435,404, T>C. VCF-style: chr1-197435404-T-C. GRCh37 (hg19) VCF-style: chr1-197404534-T-C.
Other names: c.3205T>C, p.Cys1069Arg (NM_001193640.2); c.3469T>C, p.Cys1157Arg (NM_001257965.2); c.2129-196T>C (NM_001257966.2); short protein forms C1181R, C1069R, C1157R.
Identifiers: ClinVar variation 5737 (VCV000005737.4), dbSNP rs62636291, ClinGen allele CA228041.

ClinVar aggregate classification (germline): Likely pathogenic. Review status: criteria provided, multiple submitters, no conflicts (2 of 4 stars). 4 submissions from 4 submitters: Likely pathogenic (2). 2 of the submissions do not count toward it. Last evaluated 2025-01-16.

Conditions:
Retinal dystrophy. Also called: Inherited retinal dystrophy. Identifiers: Orphanet 71862, MedGen C0854723, MeSH D058499, MONDO:0019118, HP:0000556.
Leber congenital amaurosis (LCA). Also called: Leber's amaurosis. Identifiers: Orphanet 65, MedGen C0339527, MeSH D057130, MONDO:0018998.
Retinitis pigmentosa 12 (RP12). Also called: RP WITH OR WITHOUT PPRPE; RP WITH OR WITHOUT PRESERVED PARAARTERIOLE RETINAL PIGMENT EPITHELIUM; RETINITIS PIGMENTOSA WITH OR WITHOUT PARAARTERIOLAR PRESERVATION OF RETINAL PIGMENT EPITHELIUM. Identifiers: Orphanet 791, MedGen C1838647, MONDO:0010818, OMIM 600105.

Submissions (4):

Natera, Inc.
Classification: Likely pathogenic for Leber congenital amaurosis. Last evaluated: 2025-01-16. Review status: criteria provided, single submitter. Criteria: Natera Variant Classification Schema (03/2026). Collection method: clinical testing. Allele origin: germline.
Comment: The c.3541T>C variant in CRB1 is a missense variant predicted to cause substitution of cysteine to arginine at amino acid 1181. This variant is rare in the general population with a frequency below the threshold expected for the associated phenotype(s). This variant has been observed in one or more individuals affected with the associated recessive disease, as either homozygous or compound heterozygous with a second variant (PMID: 11389483, 37240262). Additionally, this variant has been observed to segregate in affected family members (PMID: 11389483). Computational prediction algorithms indicate this variant is likely to affect gene or protein function. Given the available evidence, this variant is classified as Likely Pathogenic.

Institute of Human Genetics, Univ. Regensburg, Univ. Regensburg
Classification: Likely pathogenic for Retinal dystrophy. Last evaluated: 2017-01-01. Review status: criteria provided, single submitter. Criteria: ACMG Guidelines, 2015. Collection method: clinical testing. Allele origin: germline. Affected: yes.

OMIM
Classification: Pathogenic for RETINITIS PIGMENTOSA 12. Last evaluated: 2001-07-01. Review status: no assertion criteria provided. Collection method: literature only. Allele origin: germline. Not counted in ClinVar's aggregate classification.

Retina International
No classification provided. Review status: no classification provided. Collection method: not provided. Allele origin: not provided. Not counted in ClinVar's aggregate classification.

Literature cited by the submitters: PubMed 11389483 (cited by 3 submitters); PubMed 37240262 (cited by Natera, Inc.).